The following is an entry in ClinVar:

NM_005591.4(MRE11):c.1261C>T (p.Pro421Ser)

Gene: MRE11 (MRE11 double strand break repair nuclease; minus strand). Cytogenetic location: 11q21.
Variant type: single nucleotide variant.
Coding change: c.1261C>T on transcript NM_005591.4 (MANE Select); coding-DNA position 1261, C replaced by T.
Protein change: p.Pro421Ser; replaces proline 421 with serine.
Molecular consequence: missense variant.
Genome position (GRCh38, 1-based): chr11:94,461,001, G>A on the plus strand (C>T on the coding strand, the complement: MRE11 is on the minus strand). VCF-style: chr11-94461001-G-A. GRCh37 (hg19) VCF-style: chr11-94194167-G-A.
Other names: c.1261C>T, p.Pro421Ser (NM_001330347.2, NM_005590.4); short protein forms P421S.
Identifiers: ClinVar variation 575101 (VCV000575101.10), dbSNP rs1398359004, ClinGen allele CA382372404.
Genomic context (GRCh38, chr11:94,461,001, plus strand): 5'-CTGCGGTTTGAAAGTACTGTTTTACAAGATCTTCTACCCTTAAAGTTGTTCCTTCTGAAG[G>A]CTTTGTGATAAGTTTCCCAAAGTTGATCTCTTCTCCTAGAAAAAAAGAAGTATATCAAAA-3'
Protein context (NP_005582.1, residues 411-431): EINFGKLITK[Pro421Ser]SEGTTLRVED

ClinVar aggregate classification (germline): Uncertain significance (1 of 4 stars; one submission).

Conditions:
Ataxia-telangiectasia-like disorder (ATLD). Identifiers: MedGen C1858391, MONDO:0011457.

Submission:

Labcorp Genetics (formerly Invitae), Labcorp
Classification: Uncertain significance for Ataxia-telangiectasia-like disorder. Last evaluated: 2024-09-26. Review status: criteria provided, single submitter. Criteria: Invitae Variant Classification Sherloc (09022015). Collection method: clinical testing. Allele origin: germline.
Comment: This sequence change replaces proline, which is neutral and non-polar, with serine, which is neutral and polar, at codon 421 of the MRE11 protein (p.Pro421Ser). This variant is not present in population databases (gnomAD no frequency). This variant has not been reported in the literature in individuals affected with MRE11-related conditions. ClinVar contains an entry for this variant (Variation ID: 575101). An algorithm developed to predict the effect of missense changes on protein structure and function outputs the following: PolyPhen-2: "Benign". The serine amino acid residue is found in multiple mammalian species, which suggests that this missense change does not adversely affect protein function. In summary, the available evidence is currently insufficient to determine the role of this variant in disease. Therefore, it has been classified as a Variant of Uncertain Significance.